The following is an entry in ClinVar:

ClinVar aggregate classification (germline): Pathogenic/Likely pathogenic. Review status: criteria provided, multiple submitters, no conflicts (2 of 4 stars). 3 submissions from 3 submitters: Pathogenic (1); Likely pathogenic (1). 1 of the submissions does not count toward it. Last evaluated 2019-10-02.

Conditions:
Macrocephaly, acquired, with impaired intellectual development. Also called: MACROCEPHALY, ACQUIRED, WITH MENTAL RETARDATION. Identifiers: MedGen C4748993, MONDO:0032658, OMIM 618286.
Intellectual disability. Also called: Intellectual functioning disability; intellectual disabilities; Intellectual developmental disorder. Identifiers: MedGen C3714756, MeSH D008607, MONDO:0001071, HP:0001249.
Macrocephaly. Also called: large head; Macrocephalus. Identifiers: MedGen C2243051, HP:0000256.

Submissions (3):

SIB Swiss Institute of Bioinformatics
Classification: Likely pathogenic for Macrocephaly, acquired, with impaired intellectual development. Last evaluated: 2019-10-02. Review status: criteria provided, single submitter. Criteria: ACMG Guidelines, 2015. Collection method: curation. Allele origin: unknown.
Comment: This variant is interpreted as a Likely pathogenic for Macrocephaly, acquired, with impaired intellectual development, autosomal dominant. The following ACMG Tag(s) were applied: PM2, PP3, PM1-Supporting, PS3-Moderate, PS2-Moderate.

Department of Human Genetics, University Hospital Magdeburg
Classification: Pathogenic for Intellectual disability; Macrocephaly. Review status: criteria provided, single submitter. Criteria: ACMG Guidelines, 2015. Collection method: research. Allele origin: de novo. Inheritance: Autosomal dominant inheritance. Affected: yes.

OMIM
Classification: Pathogenic for MACROCEPHALY, ACQUIRED, WITH IMPAIRED INTELLECTUAL DEVELOPMENT. Last evaluated: 2019-01-23. Review status: no assertion criteria provided. Collection method: literature only. Allele origin: germline. Not counted in ClinVar's aggregate classification.

Literature cited by the submitters: PubMed 30388402 (cited by SIB Swiss Institute of Bioinformatics and OMIM).

NM_001190737.2(NFIB):c.395T>C (p.Leu132Pro)

Gene: NFIB (nuclear factor I B; minus strand). Cytogenetic location: 9p22.3.
Variant type: single nucleotide variant.
Coding change: c.395T>C on transcript NM_001190737.2 (MANE Select); coding-DNA position 395, T replaced by C.
Protein change: p.Leu132Pro; replaces leucine 132 with proline.
Molecular consequence: missense variant. On other transcripts: intron variant (3).
Genome position (GRCh38, 1-based): chr9:14,307,156, A>G on the plus strand (T>C on the coding strand, the complement: NFIB is on the minus strand). VCF-style: chr9-14307156-A-G. GRCh37 (hg19) VCF-style: chr9-14307155-A-G.
Other names: c.395T>C, p.Leu132Pro (NM_005596.3, NM_001369461.1, NM_001369464.1 and 3 more transcripts); c.473T>C, p.Leu158Pro (NM_001190738.2); c.461T>C, p.Leu154Pro (NM_001369458.1, NM_001369459.1, NM_001369462.1 and 1 more transcripts); c.383T>C, p.Leu128Pro (NM_001369460.1, NM_001369463.1, NM_001369466.1 and 2 more transcripts); c.368T>C, p.Leu123Pro (NM_001369465.1, NM_001369467.1, NM_001369476.1); c.251T>C, p.Leu84Pro (NM_001369469.1); c.380T>C, p.Leu127Pro (NM_001369474.1); c.325+58T>C (NM_001369478.1, NM_001369470.1); and 1 more; short protein forms L132P, L128P, L84P, L123P, L127P, L158P, L154P.
Identifiers: ClinVar variation 560027 (VCV000560027.4), dbSNP rs1554709654, ClinGen allele CA373090184.